The following is an entry in ClinVar:

NM_000459.5(TEK):c.1217T>G (p.Val406Gly)

Gene: TEK (TEK receptor tyrosine kinase; plus strand). Cytogenetic location: 9p21.2.
Variant type: single nucleotide variant.
Coding change: c.1217T>G on transcript NM_000459.5 (MANE Select); coding-DNA position 1217, T replaced by G.
Protein change: p.Val406Gly; replaces valine 406 with glycine.
Molecular consequence: missense variant.
Genome position (GRCh38, 1-based): chr9:27,185,519, T>G. VCF-style: chr9-27185519-T-G. GRCh37 (hg19) VCF-style: chr9-27185517-T-G.
Other names: c.1088T>G, p.Val363Gly (NM_001290077.2, NM_001375476.1); c.776T>G, p.Val259Gly (NM_001290078.2); c.1217T>G, p.Val406Gly (NM_001375475.1); short protein forms V259G, V363G, V406G.
Identifiers: ClinVar variation 1722353 (VCV001722353.1), dbSNP rs1824563357, ClinGen allele CA373130544.

ClinVar aggregate classification (germline): Uncertain significance (1 of 4 stars; one submission).

Allele frequency attached by ClinVar (database versions not stated): gnomAD 0.00001.
gnomAD v4.1: 1 of 1,613,712 alleles (0.000062%); highest among the groups gnomAD compares: African/African-American, 0.0013%; no homozygotes.

Submission:

Women's Health and Genetics/Laboratory Corporation of America, LabCorp
Classification: Uncertain significance. Last evaluated: 2022-09-09. Review status: criteria provided, single submitter. Criteria: LabCorp Variant Classification Summary - May 2015. Collection method: clinical testing. Allele origin: germline.
Comment: Variant summary: TEK c.1217T>G (p.Val406Gly) results in a non-conservative amino acid change located in the Immunoglobulin-like domain (IPR007110) of the encoded protein sequence. Two of four in-silico tools predict a benign effect of the variant on protein function. The variant was absent in 250992 control chromosomes (gnomAD). The available data on variant occurrences in the general population are insufficient to allow any conclusion about variant significance. To our knowledge, no occurrence of c.1217T>G in individuals affected with Glaucoma 3, Primary Infantile, B and no experimental evidence demonstrating its impact on protein function have been reported. No clinical diagnostic laboratories have submitted clinical-significance assessments for this variant to ClinVar after 2014. Based on the evidence outlined above, the variant was classified as uncertain significance.